The following is an entry in ClinVar:

ClinVar aggregate classification (germline): Conflicting classifications of pathogenicity. Review status: criteria provided, conflicting classifications (1 of 4 stars). 2 submissions from 2 submitters: Uncertain significance (1); Likely benign (1). Last evaluated 2024-09-20.

Conditions:
Spinocerebellar ataxia 47 (NEDMSF). Also called: PADDAS SYNDROME; neurodevelopmental disorder with motor abnormalities, seizures, and facial dysmorphism. Identifiers: Orphanet 642747, MedGen C4693672, MONDO:0033482, OMIM 620719.
PUM1-associated developmental disability-ataxia-seizure syndrome. Identifiers: Orphanet 589515, MedGen CN376901, MONDO:0958231.
Inborn genetic diseases. Identifiers: MedGen C0950123, MeSH D030342.

Submissions (2):

3billion
Classification: Likely benign for Spinocerebellar ataxia 47. Last evaluated: 2024-09-20. Review status: criteria provided, single submitter. Criteria: ACMG Guidelines, 2015. Collection method: clinical testing. Allele origin: germline. Affected: no.
Comment: The variant was identified in at least one patient who was diagnosed with a different variant in another gene and showed no symptoms related to the gene containing the variant in question.

Ambry Genetics
Classification: Uncertain significance for Inborn genetic diseases. Last evaluated: 2021-06-11. Review status: criteria provided, single submitter. Criteria: Ambry Variant Classification Scheme 2023. Collection method: clinical testing. Allele origin: germline.

NM_001020658.2(PUM1):c.1237C>T (p.His413Tyr)

Gene: PUM1 (pumilio RNA binding family member 1; minus strand). Cytogenetic location: 1p35.2.
Variant type: single nucleotide variant.
Coding change: c.1237C>T on transcript NM_001020658.2 (MANE Select); coding-DNA position 1237, C replaced by T.
Protein change: p.His413Tyr; replaces histidine 413 with tyrosine.
Molecular consequence: missense variant.
Genome position (GRCh38, 1-based): chr1:30,981,327, G>A on the plus strand (C>T on the coding strand, the complement: PUM1 is on the minus strand). VCF-style: chr1-30981327-G-A. GRCh37 (hg19) VCF-style: chr1-31454174-G-A.
Other names: c.1237C>T, p.His413Tyr (NM_014676.3); short protein forms H413Y.
Identifiers: ClinVar variation 2232761 (VCV002232761.3), dbSNP rs2521714324, ClinGen allele CA339567826.
Genomic context (GRCh38, chr1:30,981,327, plus strand): 5'-GGCGGCCACACCTATCATGAAAGAGCTATGGGCTTAAGGACTTACCGATGTGCGGCTGAT[G>A]AGCAGCTGCCAGTGCATACTGCTGCTGCTGAGCAGCTGTCAACTGCTGGACAGCAAGCGC-3'
Protein context (NP_001018494.1, residues 403-423): QQQQYALAAA[His413Tyr]QPHIGLAPAA